The following is an entry in ClinVar:

NM_201384.3(PLEC):c.6793T>G (p.Phe2265Val)

Gene: PLEC (plectin; minus strand). Cytogenetic location: 8q24.3.
Variant type: single nucleotide variant.
Coding change: c.6793T>G on transcript NM_201384.3 (MANE Select); coding-DNA position 6793, T replaced by G.
Protein change: p.Phe2265Val; replaces phenylalanine 2265 with valine.
Molecular consequence: missense variant.
Genome position (GRCh38, 1-based): chr8:143,923,136, A>C on the plus strand (T>G on the coding strand, the complement: PLEC is on the minus strand). VCF-style: chr8-143923136-A-C. GRCh37 (hg19) VCF-style: chr8-144997304-A-C.
Other names: c.6874T>G, p.Phe2292Val (NM_000445.5); c.6751T>G, p.Phe2251Val (NM_201378.4); c.6727T>G, p.Phe2243Val (NM_201379.3); c.7204T>G, p.Phe2402Val (NM_201380.4); c.6697T>G, p.Phe2233Val (NM_201381.3); c.6793T>G, p.Phe2265Val (NM_201382.4); c.6805T>G, p.Phe2269Val (NM_201383.3); short protein forms F2233V, F2243V, F2251V, F2265V, F2269V, F2292V, F2402V.
Identifiers: ClinVar variation 1011795 (VCV001011795.5), dbSNP rs1823498287, ClinGen allele CA372532433.
Genomic context (GRCh38, chr8:143,923,136, plus strand): 5'-CACTCAGCCGCGCGGCCTCCTCCGCCACCTGCTTCATCTTCTCAGCCTCCTCCTGCAGGA[A>C]GCGCTGCGTATTGTCCTTGTCACGCAAGATGAGTGCGCGGTTCTCAGCCTCGATGCGTGC-3'
Protein context (NP_958786.1, residues 2255-2275): ILRDKDNTQR[Phe2265Val]LQEEAEKMKQ

ClinVar aggregate classification (germline): Uncertain significance (1 of 4 stars; one submission).

Conditions:
Epidermolysis bullosa simplex 5B, with muscular dystrophy (EBS5B). Also called: EPIDERMOLYSIS BULLOSA SIMPLEX AND LIMB-GIRDLE MUSCULAR DYSTROPHY; Epidermolysis bullosa simplex with muscular dystrophy. Identifiers: Orphanet 257, MedGen C2931072, MONDO:0009181, OMIM 226670.
Epidermolysis bullosa simplex, Ogna type (EBS5A). Also called: EPIDERMOLYSIS BULLOSA SIMPLEX 5A, OGNA TYPE; Pidermolysis bullosa simplex 5A, Ogna type. Identifiers: Orphanet 79401, MedGen C0432317, MONDO:0007555, OMIM 131950.
Epidermolysis bullosa simplex 5C, with pyloric atresia (EBS5C). Also called: Epidermolysis bullosa simplex with pyloric atresia; PLEC-Related Epidermolysis Bullosa with Pyloric Atresia; PLEC1-Related Epidermolysis Bullosa with Pyloric Atresia. Identifiers: Orphanet 158684, MedGen C2677349, MONDO:0012807, OMIM 612138.
Autosomal recessive limb-girdle muscular dystrophy type 2Q (LGMDR17). Also called: MUSCULAR DYSTROPHY, LIMB-GIRDLE, AUTOSOMAL RECESSIVE 17. Identifiers: Orphanet 254361, MedGen C3150989, MONDO:0013390, OMIM 613723.
Epidermolysis bullosa simplex with nail dystrophy (EBS5D). Identifiers: MedGen C4225309, MONDO:0014661, OMIM 616487.

Allele frequency attached by ClinVar (database versions not stated): gnomAD exomes below 0.00001; TOPMed below 0.00001; gnomAD 0.00001.
gnomAD v4.1: 2 of 1,603,124 alleles (0.00012%); highest among the groups gnomAD compares: Non-Finnish European, 0.000085%; no homozygotes.

Submission:

Labcorp Genetics (formerly Invitae), Labcorp
Classification: Uncertain significance for Autosomal recessive limb-girdle muscular dystrophy type 2Q; Epidermolysis bullosa simplex, Ogna type; Epidermolysis bullosa simplex with nail dystrophy; Epidermolysis bullosa simplex 5C, with pyloric atresia; Epidermolysis bullosa simplex 5B, with muscular dystrophy. Last evaluated: 2022-01-14. Review status: criteria provided, single submitter. Criteria: Invitae Variant Classification Sherloc (09022015). Collection method: clinical testing. Allele origin: germline.
Comment: This sequence change replaces phenylalanine, which is neutral and non-polar, with valine, which is neutral and non-polar, at codon 2292 of the PLEC protein (p.Phe2292Val). This variant is not present in population databases (gnomAD no frequency). This variant has not been reported in the literature in individuals affected with PLEC-related conditions. ClinVar contains an entry for this variant (Variation ID: 1011795). Algorithms developed to predict the effect of missense changes on protein structure and function output the following: SIFT: "Tolerated"; PolyPhen-2: "Benign"; Align-GVGD: "Class C0". The valine amino acid residue is found in multiple mammalian species, which suggests that this missense change does not adversely affect protein function. In summary, the available evidence is currently insufficient to determine the role of this variant in disease. Therefore, it has been classified as a Variant of Uncertain Significance.